The following is an entry in ClinVar:

ClinVar aggregate classification (germline): Likely benign (1 of 4 stars; one submission).

Conditions:
Familial cancer of breast. Also called: BREAST CANCER, FAMILIAL; Hereditary breast cancer; hereditary breast carcinoma. Identifiers: Orphanet 227535, MedGen C0346153, MONDO:0016419, OMIM 114480. Disease mechanism: loss of function.

Submission:

Myriad Genetics, Inc.
Classification: Likely benign for Familial cancer of breast. Last evaluated: 2024-04-19. Review status: criteria provided, single submitter. Criteria: Myriad Autosomal Dominant, Autosomal Recessive and X-Linked Classification Criteria (2023). Collection method: clinical testing. Allele origin: unknown.
Comment: This variant is considered likely benign. This variant is intronic and is not expected to impact mRNA splicing.

NM_000051.4(ATM):c.496+10G>A

Gene: ATM (ATM serine/threonine kinase; plus strand). Cytogenetic location: 11q22.3.
Variant type: single nucleotide variant.
Coding change: c.496+10G>A on transcript NM_000051.4 (MANE Select); 10 bases into the intron after coding-DNA position 496, G replaced by A.
Molecular consequence: intron variant.
Genome position (GRCh38, 1-based): chr11:108,235,844, G>A. VCF-style: chr11-108235844-G-A. GRCh37 (hg19) VCF-style: chr11-108106571-G-A.
Other names: c.496+10G>A (NM_001351834.2).
Identifiers: ClinVar variation 3254003 (VCV003254003.1), dbSNP rs2135126868.